The following is an entry in ClinVar:

ClinVar aggregate classification (germline): Pathogenic (1 of 4 stars; one submission).

Submission:

Labcorp Genetics (formerly Invitae), Labcorp
Classification: Pathogenic. Last evaluated: 2022-10-24. Review status: criteria provided, single submitter. Criteria: Invitae Variant Classification Sherloc (09022015). Collection method: clinical testing. Allele origin: germline.
Comment: For these reasons, this variant has been classified as Pathogenic. This sequence change creates a premature translational stop signal (p.Glu149Argfs*48) in the CNGA1 gene. It is expected to result in an absent or disrupted protein product. Loss-of-function variants in CNGA1 are known to be pathogenic (PMID: 7479749, 25268133). This variant is not present in population databases (gnomAD no frequency). This variant has not been reported in the literature in individuals affected with CNGA1-related conditions.

Literature cited by the submitters: PubMed 7479749; PubMed 25268133.

NM_001379270.1(CNGA1):c.432_435del (p.Glu145fs)

Genes: CNGA1 (cyclic nucleotide gated channel subunit alpha 1; minus strand), LOC101927157 (uncharacterized LOC101927157; plus strand). Cytogenetic location: 4p12.
Variant type: Microsatellite.
Coding change: c.432_435del on transcript NM_001379270.1 (MANE Select); coding-DNA positions 432 to 435, 4 bases deleted (AGAA; older notation c.432_435delAGAA).
Protein change: p.Glu145fs; shifts the reading frame from glutamic acid 145.
Molecular consequence: frameshift variant.
Genome position (GRCh38, 1-based): chr4:47,943,183-47,943,186, TTCT deleted on the plus strand (AGAA on the coding strand, the reverse complement: CNGA1 is on the minus strand); deleting any 4 consecutive bases within chr4:47,943,183-47,943,191 gives the same sequence; the c. name uses the placement nearest the transcript's 3' end. VCF-style (leftmost placement, unchanged base first): chr4-47943182-CTTCT-C. GRCh37 (hg19) VCF-style: chr4-47945199-CTTCT-C.
Other names: c.432_435del, p.Glu145fs (NM_000087.5, NM_001142564.2); c.439_442AAGA[1], p.Lys148Argfs (NM_001375386.1); short protein forms E145fs.
Identifiers: ClinVar variation 2019864 (VCV002019864.4), dbSNP rs2475782005, ClinGen allele CA2580616097.